The following is an entry in ClinVar:

NM_000483.5(APOC2):c.52T>G (p.Phe18Val)

Genes: APOC2 (apolipoprotein C2; plus strand), APOC4-APOC2 (APOC4-APOC2 readthrough (NMD candidate); plus strand). Cytogenetic location: 19q13.32.
Variant type: single nucleotide variant.
Coding change: c.52T>G on transcript NM_000483.5 (MANE Select); coding-DNA position 52, T replaced by G.
Protein change: p.Phe18Val; replaces phenylalanine 18 with valine.
Molecular consequence: missense variant. On other transcripts: non-coding transcript variant (1).
Genome position (GRCh38, 1-based): chr19:44,948,530, T>G. VCF-style: chr19-44948530-T-G. GRCh37 (hg19) VCF-style: chr19-45451787-T-G.
Other names: short protein forms F18V.
Identifiers: ClinVar variation 1746700 (VCV001746700.2), dbSNP rs1970347563, ClinGen allele CA406292005.

ClinVar aggregate classification (germline): Uncertain significance (1 of 4 stars; one submission).

Conditions:
Cardiovascular phenotype. Identifiers: MedGen CN230736.

Allele frequency attached by ClinVar (database versions not stated): TOPMed 0.00001.

Submission:

Ambry Genetics
Classification: Uncertain significance for Cardiovascular phenotype. Last evaluated: 2021-11-28. Review status: criteria provided, single submitter. Criteria: Ambry Variant Classification Scheme 2023. Collection method: clinical testing. Allele origin: germline.
Comment: The p.F18V variant (also known as c.52T>G), located in coding exon 1 of the APOC2 gene, results from a T to G substitution at nucleotide position 52. The phenylalanine at codon 18 is replaced by valine, an amino acid with highly similar properties. This amino acid position is conserved. In addition, this alteration is predicted to be tolerated by in silico analysis. Since supporting evidence is limited at this time, the clinical significance of this alteration remains unclear.